The following is an entry in ClinVar:

NM_001267550.2(TTN):c.72720T>A (p.Val24240=)

Genes: TTN (titin; minus strand), TTN-AS1 (TTN antisense RNA 1; plus strand). Cytogenetic location: 2q31.2.
Variant type: single nucleotide variant.
Coding change: c.72720T>A on transcript NM_001267550.2 (MANE Select); coding-DNA position 72720, T replaced by A.
Protein change: p.Val24240=; no amino-acid change (valine 24240 retained).
Molecular consequence: synonymous variant.
Genome position (GRCh38, 1-based): chr2:178,573,412, A>T on the plus strand (T>A on the coding strand, the complement: TTN is on the minus strand). VCF-style: chr2-178573412-A-T. GRCh37 (hg19) VCF-style: chr2-179438139-A-T.
Other names: c.67797T>A, p.Val22599= (NM_001256850.1); c.45525T>A, p.Val15175= (NM_003319.4); c.65016T>A, p.Val21672= (NM_133378.4); c.45900T>A, p.Val15300= (NM_133432.3); c.46101T>A, p.Val15367= (NM_133437.4).
Identifiers: ClinVar variation 701783 (VCV000701783.20), dbSNP rs550285671, ClinGen allele CA1990464.

ClinVar aggregate classification (germline): Conflicting classifications of pathogenicity. Review status: criteria provided, conflicting classifications (1 of 4 stars). 9 submissions from 5 submitters: Uncertain significance (3); Benign (3); Likely benign (3). Last evaluated 2025-11-24.

Conditions:
Cardiovascular phenotype. Identifiers: MedGen CN230736.
Autosomal recessive limb-girdle muscular dystrophy type 2J (LGMDR10). Also called: Limb-girdle muscular dystrophy, type 2J; MUSCULAR DYSTROPHY, LIMB-GIRDLE, AUTOSOMAL RECESSIVE 10. Identifiers: Orphanet 140922, MedGen C1837342, MONDO:0012127, OMIM 608807.
Dilated cardiomyopathy 1G (CMD1G). Identifiers: Orphanet 154, MedGen C1858763, MONDO:0011400, OMIM 604145.
Early-onset myopathy with fatal cardiomyopathy (CMYO5). Also called: Salih Myopathy; CONGENITAL MYOPATHY 5 WITH CARDIOMYOPATHY. Identifiers: Orphanet 289377, MedGen C2673677, MONDO:0012714, OMIM 611705. Disease mechanism: loss of function.
Tibial muscular dystrophy (TMD). Also called: Tibial muscular dystrophy, tardive; UDD MYOPATHY; Udd Distal Myopathy – Tibial Muscular Dystrophy. Identifiers: Orphanet 609, MedGen C1838244, MONDO:0010870, OMIM 600334.
Myopathy, myofibrillar, 9, with early respiratory failure (MFM9). Also called: Hereditary myopathy with early respiratory failure; MYOPATHY, PROXIMAL, WITH EARLY RESPIRATORY MUSCLE INVOLVEMENT; EDSTROM MYOPATHY; Myopathy, distal, with early respiratory failure, autosomal dominant. Identifiers: Orphanet 178464, Orphanet 34521, MedGen C1863599, MONDO:0011362, OMIM 603689.

Allele frequency attached by ClinVar (database versions not stated): TOPMed 0.00004; ExAC 0.00014; gnomAD exomes 0.00014; 1000 Genomes Project 30x 0.00031; 1000 Genomes Project 0.00040.
gnomAD v4.1: 199 of 1,520,530 alleles (0.013%); highest among the groups gnomAD compares: East Asian, 0.45%; no homozygotes.

Submissions (9):

Labcorp Genetics (formerly Invitae), Labcorp
Classification: Benign for Dilated cardiomyopathy 1G; Autosomal recessive limb-girdle muscular dystrophy type 2J. Last evaluated: 2025-11-24. Review status: criteria provided, single submitter. Criteria: Invitae Variant Classification Sherloc (09022015). Collection method: clinical testing. Allele origin: germline.

Ambry Genetics
Classification: Likely benign for Cardiovascular phenotype. Last evaluated: 2023-07-29. Review status: criteria provided, single submitter. Criteria: Ambry Variant Classification Scheme 2023. Collection method: clinical testing. Allele origin: germline.

Women's Health and Genetics/Laboratory Corporation of America, LabCorp
Classification: Likely benign. Last evaluated: 2023-05-15. Review status: criteria provided, single submitter. Criteria: LabCorp Variant Classification Summary - May 2015. Collection method: clinical testing. Allele origin: germline.

GeneDx
Classification: Likely benign. Last evaluated: 2020-09-23. Review status: criteria provided, single submitter. Criteria: GeneDx Variant Classification Process June 2021. Collection method: clinical testing. Allele origin: germline. Affected: yes.

Illumina Laboratory Services, Illumina
Classification: Uncertain significance for Dilated cardiomyopathy 1G. Last evaluated: 2018-01-13. Review status: criteria provided, single submitter. Criteria: ICSL Variant Classification Criteria 13 December 2019. Collection method: clinical testing. Allele origin: germline.

Illumina Laboratory Services, Illumina
Classification: Uncertain significance for Early-onset myopathy with fatal cardiomyopathy. Last evaluated: 2018-01-13. Review status: criteria provided, single submitter. Criteria: ICSL Variant Classification Criteria 13 December 2019. Collection method: clinical testing. Allele origin: germline.

Illumina Laboratory Services, Illumina
Classification: Uncertain significance for Autosomal recessive limb-girdle muscular dystrophy type 2J. Last evaluated: 2018-01-13. Review status: criteria provided, single submitter. Criteria: ICSL Variant Classification Criteria 13 December 2019. Collection method: clinical testing. Allele origin: germline.

Illumina Laboratory Services, Illumina
Classification: Benign for Myopathy, myofibrillar, 9, with early respiratory failure. Last evaluated: 2018-01-13. Review status: criteria provided, single submitter. Criteria: ICSL Variant Classification Criteria 13 December 2019. Collection method: clinical testing. Allele origin: germline.
Comment: This variant was observed in the ICSL laboratory as part of a predisposition screen in an ostensibly healthy population. It had not been previously curated by ICSL or reported in the Human Gene Mutation Database (HGMD: prior to June 1st, 2018), and was therefore a candidate for classification through an automated scoring system. Utilizing variant allele frequency, disease prevalence and penetrance estimates, and inheritance mode, an automated score was calculated to assess if this variant is too frequent to cause the disease. Based on the score and internal cut-off values, a variant classified as benign is not then subjected to further curation. The score for this variant resulted in a classification of benign for this disease.

Illumina Laboratory Services, Illumina
Classification: Benign for Tibial muscular dystrophy. Last evaluated: 2018-01-13. Review status: criteria provided, single submitter. Criteria: ICSL Variant Classification Criteria 13 December 2019. Collection method: clinical testing. Allele origin: germline.
Comment: the same text as in the submission from Illumina Laboratory Services, Illumina above.